The following is an entry in ClinVar:

NM_015215.4(CAMTA1):c.4963dup (p.Leu1655fs)

Gene: CAMTA1 (calmodulin binding transcription activator 1; plus strand). Cytogenetic location: 1p36.23.
Variant type: Duplication.
Coding change: c.4963dup on transcript NM_015215.4 (MANE Select); coding-DNA position 4963, one base duplicated (C; older notation c.4963dupC).
Protein change: p.Leu1655fs; shifts the reading frame from leucine 1655.
Molecular consequence: frameshift variant. On other transcripts: intron variant (10).
Genome position (GRCh38, 1-based): chr1:7,755,642, C duplicated; the last of 5 consecutive C bases (chr1:7,755,638-7,755,642); duplicating any one gives the same sequence. VCF-style (leftmost placement, unchanged base first): chr1-7755637-G-GC. GRCh37 (hg19) VCF-style: chr1-7815697-G-GC.
Other names: c.4873dup, p.Leu1625fs (NM_001349608.2); c.4639dup, p.Leu1547fs (NM_001349610.2); c.4555dup, p.Leu1519fs (NM_001349612.2); c.2056dup, p.Leu686fs (NM_001349616.2); c.2035dup, p.Leu679fs (NM_001349617.1, NM_001349618.2); c.1717dup, p.Leu573fs (NM_001349619.2, NM_001349620.1); c.1696dup, p.Leu566fs (NM_001349625.2, NM_001349626.2); c.4640+3109dup (NM_001349609.2); and 6 more; short protein forms L1519fs, L1547fs, L1625fs, L1655fs, L566fs, L573fs, L679fs, L686fs.
Identifiers: ClinVar variation 3907876 (VCV003907876.1).
Genomic context (GRCh38, chr1:7,755,637, plus strand): 5'-AAGATTTCTGTTGTGACCCTCATGTGCTAATAGCTCTCTGGTGTTGTTTTACTGTCTAAA[G>GC]CCCCCTGGTGGACCATAGGCTGTACAAAAGGGTGAGTTTAGCTGCCTGCTAGCCAGTTTC-3'

ClinVar aggregate classification (germline): Uncertain significance (1 of 4 stars; one submission).

Submission:

GeneDx
Classification: Uncertain significance. Last evaluated: 2024-12-23. Review status: criteria provided, single submitter. Criteria: GeneDx Variant Classification Process June 2021. Collection method: clinical testing. Allele origin: germline. Affected: yes.
Comment: Not observed at significant frequency in large population cohorts (gnomAD); Frameshift variant predicted to result in abnormal protein length as the last 19 amino acid(s) are replaced with 4 different amino acid(s); Has not been previously published as pathogenic or benign to our knowledge